The following is an entry in ClinVar:

NM_001042492.3(NF1):c.549C>G (p.Ile183Met)

Gene: NF1 (neurofibromin 1; plus strand). Cytogenetic location: 17q11.2.
Variant type: single nucleotide variant.
Coding change: c.549C>G on transcript NM_001042492.3 (MANE Select); coding-DNA position 549, C replaced by G.
Protein change: p.Ile183Met; replaces isoleucine 183 with methionine.
Molecular consequence: missense variant.
Genome position (GRCh38, 1-based): chr17:31,169,960, C>G. VCF-style: chr17-31169960-C-G. GRCh37 (hg19) VCF-style: chr17-29496978-C-G.
Other names: c.549C>G, p.Ile183Met (NM_000267.4, NM_001128147.3); short protein forms I183M.
Identifiers: ClinVar variation 658522 (VCV000658522.6), dbSNP rs1597643884, ClinGen allele CA398985228.
Genomic context (GRCh38, chr17:31,169,960, plus strand): 5'-ATTAACTGTTTGTTCAGAAGACAATGTTGATGTTCATGATATAGAATTGTTACAGTATAT[C>G]AATGTGGATTGTGCAAAATTAAAACGACTCCTGAAGGGTAAGTTTAAATGTATAATATAT-3'
Protein context (NP_001035957.1, residues 173-193): DVHDIELLQY[Ile183Met]NVDCAKLKRL

ClinVar aggregate classification (germline): Uncertain significance. Review status: criteria provided, multiple submitters, no conflicts (2 of 4 stars). 2 submissions from 2 submitters: Uncertain significance (2). Last evaluated 2024-11-23.

Conditions:
Cardiovascular phenotype. Identifiers: MedGen CN230736.
Hereditary cancer-predisposing syndrome. Also called: Neoplastic Syndromes, Hereditary; Hereditary neoplastic syndrome; Hereditary Cancer Syndrome; Tumor predisposition. Identifiers: Orphanet 140162, MedGen C0027672, MeSH D009386, MONDO:0015356.
Neurofibromatosis, type 1 (NF1). Also called: VON RECKLINGHAUSEN DISEASE; NEUROFIBROMATOSIS, TYPE I, SOMATIC; Peripheral type neurofibromatosis; Neurofibromatosis, type I. Identifiers: Orphanet 636, MedGen C0027831, MONDO:0018975, OMIM 162200. Disease mechanism: loss of function.

Submissions (2):

Ambry Genetics
Classification: Uncertain significance for Cardiovascular phenotype; Hereditary cancer-predisposing syndrome. Last evaluated: 2024-11-23. Review status: criteria provided, single submitter. Criteria: Ambry Variant Classification Scheme 2023. Collection method: clinical testing. Allele origin: germline.
Comment: The p.I183M variant (also known as c.549C>G), located in coding exon 5 of the NF1 gene, results from a C to G substitution at nucleotide position 549. The isoleucine at codon 183 is replaced by methionine, an amino acid with highly similar properties. This amino acid position is conserved. In addition, the in silico prediction for this alteration is inconclusive. Based on the available evidence, the clinical significance of this variant remains unclear.

Labcorp Genetics (formerly Invitae), Labcorp
Classification: Uncertain significance for Neurofibromatosis, type 1. Last evaluated: 2018-09-11. Review status: criteria provided, single submitter. Criteria: Invitae Variant Classification Sherloc (09022015). Collection method: clinical testing. Allele origin: germline.
Comment: In summary, the available evidence is currently insufficient to determine the role of this variant in disease. Therefore, it has been classified as a Variant of Uncertain Significance. Algorithms developed to predict the effect of missense changes on protein structure and function are either unavailable or do not agree on the potential impact of this missense change (SIFT: "Deleterious"; PolyPhen-2: "Benign"; Align-GVGD: "Class C0"). This variant has not been reported in the literature in individuals with NF1-related disease. This variant is not present in population databases (ExAC no frequency). This sequence change replaces isoleucine with methionine at codon 183 of the NF1 protein (p.Ile183Met). The isoleucine residue is highly conserved and there is a small physicochemical difference between isoleucine and methionine.